The following is an entry in ClinVar:

NM_001371727.1(GABRB2):c.609G>A (p.Thr203=)

Gene: GABRB2 (gamma-aminobutyric acid type A receptor subunit beta2; minus strand). Cytogenetic location: 5q34.
Variant type: single nucleotide variant.
Coding change: c.609G>A on transcript NM_001371727.1 (MANE Select); coding-DNA position 609, G replaced by A.
Protein change: p.Thr203=; no amino-acid change (threonine 203 retained).
Molecular consequence: synonymous variant.
Genome position (GRCh38, 1-based): chr5:161,336,702, C>T on the plus strand (G>A on the coding strand, the complement: GABRB2 is on the minus strand). VCF-style: chr5-161336702-C-T. GRCh37 (hg19) VCF-style: chr5-160763709-C-T.
Other names: c.609G>A, p.Thr203= (NM_000813.3, NM_021911.3).
Identifiers: ClinVar variation 510798 (VCV000510798.13), dbSNP rs138163747, ClinGen allele CA3543513.

ClinVar aggregate classification (germline): Likely benign. Review status: criteria provided, multiple submitters, no conflicts (2 of 4 stars). 3 submissions from 3 submitters: Likely benign (3). Last evaluated 2025-12-04.

Conditions:
GABRB2-related disorder. Also called: GABRB2-related condition.
Intellectual disability. Also called: Intellectual functioning disability; intellectual disabilities; Intellectual developmental disorder. Identifiers: MedGen C3714756, MeSH D008607, MONDO:0001071, HP:0001249.

Allele frequency attached by ClinVar (database versions not stated): gnomAD exomes 0.00002 and 0.00006; ExAC 0.00007; ESP Exome Variant Server 0.00023; gnomAD 0.00024 and 0.00026; TOPMed 0.00027; 1000 Genomes Project 30x 0.00031; 1000 Genomes Project 0.00040.
gnomAD v4.1: 72 of 1,612,974 alleles (0.0045%); highest among the groups gnomAD compares: African/African-American, 0.078%; no homozygotes.

Submissions (3):

Labcorp Genetics (formerly Invitae), Labcorp
Classification: Likely benign for Intellectual disability. Last evaluated: 2025-12-04. Review status: criteria provided, single submitter. Criteria: Invitae Variant Classification Sherloc (09022015). Collection method: clinical testing. Allele origin: germline.

PreventionGenetics, part of Exact Sciences
Classification: Likely benign for GABRB2-related condition. Last evaluated: 2025-08-05. Review status: criteria provided, single submitter. Criteria: ACMG Guidelines, 2015. Collection method: clinical testing. Allele origin: germline.
Comment: This variant is classified as likely benign based on ACMG/AMP sequence variant interpretation guidelines (Richards et al. 2015 PMID: 25741868, with internal and published modifications).

GeneDx
Classification: Likely benign. Last evaluated: 2017-07-10. Review status: criteria provided, single submitter. Criteria: GeneDx Variant Classification (06012015). Collection method: clinical testing. Allele origin: germline. Affected: yes.
Comment: This variant is considered likely benign or benign based on one or more of the following criteria: it is a conservative change, it occurs at a poorly conserved position in the protein, it is predicted to be benign by multiple in silico algorithms, and/or has population frequency not consistent with disease.